The following is an entry in ClinVar:

NM_006393.3(NEBL):c.846T>G (p.Asp282Glu)

Gene: NEBL (nebulette; minus strand). Cytogenetic location: 10p12.31.
Variant type: single nucleotide variant.
Coding change: c.846T>G on transcript NM_006393.3 (MANE Select); coding-DNA position 846, T replaced by G.
Protein change: p.Asp282Glu; replaces aspartic acid 282 with glutamic acid.
Molecular consequence: missense variant. On other transcripts: intron variant (9).
Genome position (GRCh38, 1-based): chr10:20,858,297, A>C on the plus strand (T>G on the coding strand, the complement: NEBL is on the minus strand). VCF-style: chr10-20858297-A-C. GRCh37 (hg19) VCF-style: chr10-21147226-A-C.
Other names: c.250-45357T>G (NM_001377326.1, NM_001377327.1, NM_001377328.1); c.358-45357T>G (NM_213569.2, NM_001173484.2, NM_001377322.1); c.301-45357T>G (NM_001377324.1); c.292-45357T>G (NM_001377325.1); c.310-45357T>G (NM_001377323.1); short protein forms D282E.
Identifiers: ClinVar variation 1763507 (VCV001763507.3), dbSNP rs1195431616, ClinGen allele CA376101684.

ClinVar aggregate classification (germline): Uncertain significance. Review status: criteria provided, multiple submitters, no conflicts (2 of 4 stars). 2 submissions from 2 submitters: Uncertain significance (2). Last evaluated 2025-05-19.

Conditions:
Primary dilated cardiomyopathy (DCM). Also called: Dilated Cardiomyopathy. Identifiers: Orphanet 217604, MedGen C0007193, MeSH D002311, MONDO:0005021, HP:0001644. Inheritance: Various modes of inheritance.

Allele frequency attached by ClinVar (database versions not stated): TOPMed below 0.00001; gnomAD 0.00001.
gnomAD v4.1: 28 of 1,611,624 alleles (0.0017%); highest among the groups gnomAD compares: Non-Finnish European, 0.0024%; no homozygotes.

Submissions (2):

Labcorp Genetics (formerly Invitae), Labcorp
Classification: Uncertain significance for Primary dilated cardiomyopathy. Last evaluated: 2025-05-19. Review status: criteria provided, single submitter. Criteria: Invitae Variant Classification Sherloc (09022015). Collection method: clinical testing. Allele origin: germline.
Comment: This sequence change replaces aspartic acid, which is acidic and polar, with glutamic acid, which is acidic and polar, at codon 282 of the NEBL protein (p.Asp282Glu). This variant is present in population databases (no rsID available, gnomAD 0.002%). This variant has not been reported in the literature in individuals affected with NEBL-related conditions. ClinVar contains an entry for this variant (Variation ID: 1763507). An algorithm developed to predict the effect of missense changes on protein structure and function (PolyPhen-2) suggests that this variant is likely to be tolerated. In summary, the available evidence is currently insufficient to determine the role of this variant in disease. Therefore, it has been classified as a Variant of Uncertain Significance.

Ambry Genetics
Classification: Uncertain significance. Last evaluated: 2023-12-12. Review status: criteria provided, single submitter. Criteria: Ambry Variant Classification Scheme 2023. Collection method: clinical testing. Allele origin: germline.
Comment: The p.D282E variant (also known as c.846T>G), located in coding exon 9 of the NEBL gene, results from a T to G substitution at nucleotide position 846. The aspartic acid at codon 282 is replaced by glutamic acid, an amino acid with highly similar properties. This amino acid position is conserved. In addition, this alteration is predicted to be tolerated by in silico analysis. Since supporting evidence is limited at this time, the clinical significance of this alteration remains unclear.